The following is an entry in ClinVar:

ClinVar aggregate classification (germline): Pathogenic. Review status: criteria provided, multiple submitters, no conflicts (2 of 4 stars). 2 submissions from 2 submitters: Pathogenic (2). Last evaluated 2024-02-19.

Conditions:
OPA1-related disorder. Also called: OPA1-related condition; OPA1-related disorders.
Optic neuropathy. Also called: Optic nerve disorder. Identifiers: MedGen C3887709, MONDO:0002135, HP:0001138.

Submissions (2):

North West Genomic Laboratory Hub, Manchester University NHS Foundation Trust
Classification: Pathogenic for Optic neuropathy. Last evaluated: 2024-02-19. Review status: criteria provided, single submitter. Criteria: ACGS Best Practice Guidelines for Variant Classification in Rare Disease 2020. Collection method: clinical testing. Allele origin: germline. Affected: yes.
Comment: PVS1_Str PS4_Mod PM2_Mod PP1_Str

Blueprint Genetics
Classification: Pathogenic for OPA1-related disorders. Last evaluated: 2022-07-25. Review status: criteria provided, single submitter. Criteria: ACMG Guidelines, 2015. Collection method: clinical testing. Allele origin: germline. Affected: yes. Observed: 2 variant alleles.

NM_130837.3(OPA1):c.2991_3001delinsGGATGCTCCA (p.Arg998fs)

Gene: OPA1 (OPA1 mitochondrial dynamin like GTPase; plus strand). Cytogenetic location: 3q29.
Variant type: Indel.
Coding change: c.2991_3001delinsGGATGCTCCA on transcript NM_130837.3 (MANE Select); coding-DNA positions 2991 to 3001, TAGAGAAATTC replaced by GGATGCTCCA.
Protein change: p.Arg998fs; shifts the reading frame from arginine 998.
Molecular consequence: frameshift variant.
Genome position (GRCh38, 1-based): chr3:193,692,070-193,692,080, TAGAGAAATTC replaced by GGATGCTCCA. VCF-style: chr3-193692070-TAGAGAAATTC-GGATGCTCCA. GRCh37 (hg19) VCF-style: chr3-193409859-TAGAGAAATTC-GGATGCTCCA.
Other names: c.2457_2467delinsGGATGCTCCA, p.Arg820fs (NM_001354663.2); c.2454_2464delinsGGATGCTCCA, p.Arg819fs (NM_001354664.2); c.2826_2836delinsGGATGCTCCA, p.Arg943fs (NM_015560.3); c.2718_2728delinsGGATGCTCCA, p.Arg907fs (NM_130831.3); c.2772_2782delinsGGATGCTCCA, p.Arg925fs (NM_130832.3); c.2829_2839delinsGGATGCTCCA, p.Arg944fs (NM_130833.3); c.2880_2890delinsGGATGCTCCA, p.Arg961fs (NM_130834.3); c.2883_2893delinsGGATGCTCCA, p.Arg962fs (NM_130835.3); and 1 more; short protein forms R819fs, R820fs, R907fs, R925fs, R943fs, R944fs, R961fs, R962fs.
Identifiers: ClinVar variation 4850987 (VCV004850987.2).